The following is an entry in ClinVar:

ClinVar aggregate classification (germline): Uncertain significance (1 of 4 stars; one submission).

Conditions:
Emery-Dreifuss muscular dystrophy 5, autosomal dominant (EDMD5). Also called: EMERY-DREIFUSS MUSCULAR DYSTROPHY 5. Identifiers: Orphanet 261, MedGen C2751805, MONDO:0013072, OMIM 612999.

Submission:

Labcorp Genetics (formerly Invitae), Labcorp
Classification: Uncertain significance for Emery-Dreifuss muscular dystrophy 5, autosomal dominant. Last evaluated: 2023-11-27. Review status: criteria provided, single submitter. Criteria: Invitae Variant Classification Sherloc (09022015). Collection method: clinical testing. Allele origin: germline.
Comment: This sequence change replaces glycine, which is neutral and non-polar, with arginine, which is basic and polar, at codon 5765 of the SYNE2 protein (p.Gly5765Arg). This variant is not present in population databases (gnomAD no frequency). This variant has not been reported in the literature in individuals affected with SYNE2-related conditions. ClinVar contains an entry for this variant (Variation ID: 2121153). An algorithm developed to predict the effect of missense changes on protein structure and function (PolyPhen-2) suggests that this variant is likely to be disruptive. In summary, the available evidence is currently insufficient to determine the role of this variant in disease. Therefore, it has been classified as a Variant of Uncertain Significance.

NM_182914.3(SYNE2):c.17293G>A (p.Gly5765Arg)

Gene: SYNE2 (spectrin repeat containing nuclear envelope protein 2; plus strand). Cytogenetic location: 14q23.2.
Variant type: single nucleotide variant.
Coding change: c.17293G>A on transcript NM_182914.3 (MANE Select); coding-DNA position 17293, G replaced by A.
Protein change: p.Gly5765Arg; replaces glycine 5765 with arginine.
Molecular consequence: missense variant.
Genome position (GRCh38, 1-based): chr14:64,175,001, G>A. VCF-style: chr14-64175001-G-A. GRCh37 (hg19) VCF-style: chr14-64641719-G-A.
Other names: c.17293G>A, p.Gly5765Arg (NM_015180.6); short protein forms G5765R.
Identifiers: ClinVar variation 2121153 (VCV002121153.4), dbSNP rs2549639974, ClinGen allele CA389980979.
Genomic context (GRCh38, chr14:64,175,001, plus strand): 5'-TAGAATAAAGAAATTCATTTTCAAAGGAGGCGAACTACCTGTGCCCTAACCTTGGAAGCT[G>A]GAGAAAAGTTACTGCTCACAACTGACCTGAAAACTAAAGAGTCTGTGGGTAGGAGAATCA-3'
Protein context (NP_878918.2, residues 5755-5775): RTTCALTLEA[Gly5765Arg]EKLLLTTDLK